The following is an entry in ClinVar:

NM_001379029.1(CERT1):c.1439T>C (p.Val480Ala)

Gene: CERT1 (ceramide transporter 1; minus strand). Cytogenetic location: 5q13.3.
Variant type: single nucleotide variant.
Coding change: c.1439T>C on transcript NM_001379029.1 (MANE Select); coding-DNA position 1439, T replaced by C.
Protein change: p.Val480Ala; replaces valine 480 with alanine.
Molecular consequence: missense variant.
Genome position (GRCh38, 1-based): chr5:75,384,691, A>G on the plus strand (T>C on the coding strand, the complement: CERT1 is on the minus strand). VCF-style: chr5-75384691-A-G. GRCh37 (hg19) VCF-style: chr5-74680516-A-G.
Other names: c.1823T>C, p.Val608Ala (NM_001130105.1); c.1439T>C, p.Val480Ala (NM_001379002.1, NM_005713.3); c.1361T>C, p.Val454Ala (NM_001379003.1, NM_001379004.1, NM_031361.3); short protein forms V454A, V480A, V608A.
Identifiers: ClinVar variation 1683632 (VCV001683632.2), dbSNP rs1239593876, ClinGen allele CA360141665.

ClinVar aggregate classification (germline): Uncertain significance (1 of 4 stars; one submission).

Conditions:
Intellectual disability, autosomal dominant 34 (NEDHSF). Also called: INTELLECTUAL DEVELOPMENTAL DISORDER, AUTOSOMAL DOMINANT 34; Ceramide Transporter Syndrome; NEURODEVELOPMENTAL DISORDER WITH HYPOTONIA, SPEECH DELAY, AND DYSMORPHIC FACIES; CERTRA SYNDROME. Identifiers: MedGen C4225156, MONDO:0014599, OMIM 616351.

Allele frequency attached by ClinVar (database versions not stated): TOPMed below 0.00001; gnomAD exomes below 0.00001.
gnomAD v4.1: 2 of 1,602,474 alleles (0.00012%); highest among the groups gnomAD compares: Non-Finnish European, 0.00017%; no homozygotes.

Submission:

Laboratorio de Genetica e Diagnostico Molecular, Hospital Israelita Albert Einstein
Classification: Uncertain significance for Intellectual disability, autosomal dominant 34. Last evaluated: 2021-09-28. Review status: criteria provided, single submitter. Criteria: ACMG Guidelines, 2015. Collection method: clinical testing. Allele origin: germline. Affected: yes.
Comment: ACMG classification criteria: PM2 moderate, PP3 supporting